The following is an entry in ClinVar:

NM_001394062.1(MACF1):c.15817-10270A>G

Genes: KIAA0754 (KIAA0754; plus strand), MACF1 (microtubule actin crosslinking factor 1; plus strand). Cytogenetic location: 1p34.3.
Variant type: single nucleotide variant.
Coding change: c.15817-10270A>G on transcript NM_001394062.1 (MANE Select); 10270 bases into the intron before coding-DNA position 15817, A replaced by G.
Molecular consequence: intron variant. On other transcripts: synonymous variant (1).
Genome position (GRCh38, 1-based): chr1:39,412,104, A>G. VCF-style: chr1-39412104-A-G. GRCh37 (hg19) VCF-style: chr1-39877776-A-G.
Other names: c.1839A>G, p.Glu613= (NM_001397473.1); c.9631-10270A>G (NM_012090.5).
Identifiers: ClinVar variation 2638705 (VCV002638705.24), dbSNP rs369618247, ClinGen allele CA782750.

ClinVar aggregate classification (germline): Likely benign (1 of 4 stars; one submission).

Allele frequency attached by ClinVar (database versions not stated): gnomAD exomes 0.00017; ExAC 0.00055; 1000 Genomes Project 0.00140; 1000 Genomes Project 30x 0.00141; gnomAD 0.00159; TOPMed 0.00177; ESP Exome Variant Server 0.00201.
gnomAD v4.1: 506 of 1,614,030 alleles (0.031%); highest among the groups gnomAD compares: African/African-American, 0.62%; 2 homozygotes.

Submission:

CeGaT Center for Human Genetics Tuebingen
Classification: Likely benign. Last evaluated: 2022-03-01. Review status: criteria provided, single submitter. Criteria: CeGaT Center For Human Genetics Tuebingen Variant Classification Criteria Version 2. Collection method: clinical testing. Allele origin: germline. Affected: yes. Observed: 1 variant allele.
Comment: KIAA0754: BP4, BP7